The following is an entry in ClinVar:

ClinVar aggregate classification (germline): Uncertain significance (1 of 4 stars; one submission).

Allele frequency attached by ClinVar (database versions not stated): TOPMed below 0.00001.
gnomAD v4.1: 17 of 1,614,194 alleles (0.0011%); highest among the groups gnomAD compares: Non-Finnish European, 0.0014%; no homozygotes.

Submission:

Labcorp Genetics (formerly Invitae), Labcorp
Classification: Uncertain significance. Last evaluated: 2022-02-03. Review status: criteria provided, single submitter. Criteria: Invitae Variant Classification Sherloc (09022015). Collection method: clinical testing. Allele origin: germline.
Comment: In summary, the available evidence is currently insufficient to determine the role of this variant in disease. Therefore, it has been classified as a Variant of Uncertain Significance. Algorithms developed to predict the effect of missense changes on protein structure and function are either unavailable or do not agree on the potential impact of this missense change (SIFT: "Deleterious"; PolyPhen-2: "Not Available"; Align-GVGD: "Class C0"). This variant has not been reported in the literature in individuals affected with CIB1-related conditions. This variant is present in population databases (no rsID available, gnomAD 0.0009%). This sequence change replaces aspartic acid, which is acidic and polar, with asparagine, which is neutral and polar, at codon 181 of the CIB1 protein (p.Asp181Asn).

NM_006384.4(CIB1):c.421G>A (p.Asp141Asn)

Gene: CIB1 (calcium and integrin binding 1; minus strand). Cytogenetic location: 15q26.1.
Variant type: single nucleotide variant.
Coding change: c.421G>A on transcript NM_006384.4 (MANE Select); coding-DNA position 421, G replaced by A.
Protein change: p.Asp141Asn; replaces aspartic acid 141 with asparagine.
Molecular consequence: missense variant. On other transcripts: non-coding transcript variant (2).
Genome position (GRCh38, 1-based): chr15:90,231,139, C>T on the plus strand (G>A on the coding strand, the complement: CIB1 is on the minus strand). VCF-style: chr15-90231139-C-T. GRCh37 (hg19) VCF-style: chr15-90774371-C-T.
Other names: c.541G>A, p.Asp181Asn (NM_001277764.2); short protein forms D141N, D181N.
Identifiers: ClinVar variation 1485712 (VCV001485712.8), dbSNP rs757062860, ClinGen allele CA393813875.